The following is an entry in ClinVar:

NM_001278116.2(L1CAM):c.3449A>G (p.Lys1150Arg)

Gene: L1CAM (L1 cell adhesion molecule; minus strand). Cytogenetic location: Xq28.
Variant type: single nucleotide variant.
Coding change: c.3449A>G on transcript NM_001278116.2 (MANE Select); coding-DNA position 3449, A replaced by G.
Protein change: p.Lys1150Arg; replaces lysine 1150 with arginine.
Molecular consequence: missense variant.
Genome position (GRCh38, 1-based): chrX:153,863,891, T>C on the plus strand (A>G on the coding strand, the complement: L1CAM is on the minus strand). VCF-style: chrX-153863891-T-C. GRCh37 (hg19) VCF-style: chrX-153129346-T-C.
Other names: c.3449A>G, p.Lys1150Arg (NM_000425.5, NM_024003.3); c.3434A>G, p.Lys1145Arg (NM_001143963.2); short protein forms K1145R, K1150R.
Identifiers: ClinVar variation 1312082 (VCV001312082.2), dbSNP rs1391080419, ClinGen allele CA415109269.

ClinVar aggregate classification (germline): Uncertain significance (1 of 4 stars; one submission).

Allele frequency attached by ClinVar (database versions not stated): TOPMed below 0.00001; gnomAD 0.00001; gnomAD exomes 0.00001.
gnomAD v4.1: 4 of 1,210,935 alleles (0.00033%); highest among the groups gnomAD compares: Non-Finnish European, 0.00045%; no homozygotes.

Submission:

GeneDx
Classification: Uncertain significance. Last evaluated: 2019-09-12. Review status: criteria provided, single submitter. Criteria: GeneDx Variant Classification Process June 2021. Collection method: clinical testing. Allele origin: germline. Affected: yes.
Comment: Has not been previously published as a germline variant in an affected individual to our knowledge; Not observed in large population cohorts (Lek et al., 2016); In silico analysis, which includes protein predictors and evolutionary conservation, supports a deleterious effect